The following is an entry in ClinVar:

ClinVar aggregate classification (germline): Likely pathogenic (1 of 4 stars; one submission).

Conditions:
Familial hemophagocytic lymphohistiocytosis 5. Also called: STXBP2-Related Familial Hemophagocytic Lymphohistiocytosis (STXBP2-fHLH). Identifiers: Orphanet 540, MedGen C2751293, MONDO:0013135, OMIM 613101.

Submission:

Labcorp Genetics (formerly Invitae), Labcorp
Classification: Likely pathogenic for Familial hemophagocytic lymphohistiocytosis 5. Last evaluated: 2023-11-21. Review status: criteria provided, single submitter. Criteria: Invitae Variant Classification Sherloc (09022015). Collection method: clinical testing. Allele origin: germline.
Comment: This variant results in the deletion of part of exon 2 (c.37+596_82delins214) of the STXBP2 gene. It is expected to disrupt RNA splicing. Variants that disrupt the donor or acceptor splice site typically lead to a loss of protein function (PMID: 16199547), and loss-of-function variants in STXBP2 are known to be pathogenic (PMID: 19804848, 22451424). This variant is not present in population databases (gnomAD no frequency). This variant has not been reported in the literature in individuals affected with STXBP2-related conditions. In summary, the currently available evidence indicates that the variant is pathogenic, but additional data are needed to prove that conclusively. Therefore, this variant has been classified as Likely Pathogenic.

Literature cited by the submitters: PubMed 16199547; PubMed 19804848; PubMed 22451424.

NM_006949.4(STXBP2):c.37+596_82delinsCAGCTCTGAGGCATGCCTAGCTGAGGCTATCCCACTGACCTCCGGTCTCAGTTTCCTCATCTGTAAAATGGAATCACTTTTTTCTAATCTCCCCCAATTAAAGGGGTTTGAGCTACAGACCGCCCTGCCTAGAGGAGAGAGTGGAGAGAAGTAACGGGGTGGCCCCGCCCAGCCACGTCCACTGTGTCATGTCCACTGTTATCAAGACGGCCAG

Gene: STXBP2 (syntaxin binding protein 2; plus strand). Cytogenetic location: 19p13.2.
Variant type: Indel.
Coding change: c.37+596_82delinsCAGCTCTGAGGCATGCCTAGCTGAGGCTATCCCACTGACCTCCGGTCTCAGTTTCCTCATCTGTAAAATGGAATCACTTTTTTCTAATCTCCCCCAATTAAAGGGGTTTGAGCTACAGACCGCCCTGCCTAGAGGAGAGAGTGGAGAGAAGTAACGGGGTGGCCCCGCCCAGCCACGTCCACTGTGTCATGTCCACTGTTATCAAGACGGCCAG on transcript NM_006949.4 (MANE Select); 596 bases into the intron after coding-DNA position 37 through coding-DNA position 82, the reference bases replaced by an inserted sequence.
Molecular consequence: splice acceptor variant.
Genome position (GRCh38, 1-based): chr19:7,637,782-7,638,770, 989 bases replaced. GRCh37 (hg19): chr19:7,702,668-7,703,656.
Other names: c.-59-944_-15delinsCAGCTCTGAGGCATGCCTAGCTGAGGCTATCCCACTGACCTCCGGTCTCAGTTTCCTCATCTGTAAAATGGAATCACTTTTTTCTAATCTCCCCCAATTAAAGGGGTTTGAGCTACAGACCGCCCTGCCTAGAGGAGAGAGTGGAGAGAAGTAACGGGGTGGCCCCGCCCAGCCACGTCCACTGTGTCATGTCCACTGTTATCAAGACGGCCAG (NM_001414484.1); c.37+596_82delinsCAGCTCTGAGGCATGCCTAGCTGAGGCTATCCCACTGACCTCCGGTCTCAGTTTCCTCATCTGTAAAATGGAATCACTTTTTTCTAATCTCCCCCAATTAAAGGGGTTTGAGCTACAGACCGCCCTGCCTAGAGGAGAGAGTGGAGAGAAGTAACGGGGTGGCCCCGCCCAGCCACGTCCACTGTGTCATGTCCACTGTTATCAAGACGGCCAG (NM_001272034.2, NM_001127396.3).
Identifiers: ClinVar variation 2697986 (VCV002697986.3), ClinGen allele CA2697556182.